The following is an entry in ClinVar:

ClinVar aggregate classification (germline): Uncertain significance (1 of 4 stars; one submission).

Conditions:
Cardiovascular phenotype. Identifiers: MedGen CN230736.

gnomAD v4.1: 1 of 1,614,102 alleles (0.000062%); highest among the groups gnomAD compares: Non-Finnish European, 0.000085%; no homozygotes.

Submission:

Ambry Genetics
Classification: Uncertain significance for Cardiovascular phenotype. Last evaluated: 2025-02-06. Review status: criteria provided, single submitter. Criteria: Ambry Variant Classification Scheme 2023. Collection method: clinical testing. Allele origin: germline.
Comment: The p.Y291C variant (also known as c.872A>G), located in coding exon 6 of the CBL gene, results from an A to G substitution at nucleotide position 872. The tyrosine at codon 291 is replaced by cysteine, an amino acid with highly dissimilar properties. This amino acid position is conserved. In addition, this alteration is predicted to be deleterious by in silico analysis. Based on the available evidence, the clinical significance of this variant remains unclear.

NM_005188.4(CBL):c.872A>G (p.Tyr291Cys)

Gene: CBL (Cbl proto-oncogene; plus strand). Cytogenetic location: 11q23.3.
Variant type: single nucleotide variant.
Coding change: c.872A>G on transcript NM_005188.4 (MANE Select); coding-DNA position 872, A replaced by G.
Protein change: p.Tyr291Cys; replaces tyrosine 291 with cysteine.
Molecular consequence: missense variant.
Genome position (GRCh38, 1-based): chr11:119,275,999, A>G. VCF-style: chr11-119275999-A-G. GRCh37 (hg19) VCF-style: chr11-119146709-A-G.
Other names: short protein forms Y291C.
Identifiers: ClinVar variation 3827771 (VCV003827771.1).